The following is an entry in ClinVar:

ClinVar aggregate classification (germline): Conflicting classifications of pathogenicity. Review status: criteria provided, conflicting classifications (1 of 4 stars). 6 submissions from 6 submitters: Likely pathogenic (1); Uncertain significance (5). Last evaluated 2024-09-09.

Conditions:
Congenital myopathy with fiber type disproportion. Also called: Congenital fiber-type disproportion; Congenital fiber-type disproportion myopathy. Identifiers: Orphanet 2020, MedGen C0546264, MONDO:0009711. Inheritance: all.
MYH7-related skeletal myopathy. Also called: Laing distal myopathy; Myopathy, distal, 1; Laing early-onset distal myopathy; MYOPATHY, DISTAL, EARLY-ONSET, AUTOSOMAL DOMINANT; MYOPATHY, LATE DISTAL HEREDITARY. Identifiers: Orphanet 59135, MedGen C4552004, MONDO:0008050, OMIM 160500.
Dilated cardiomyopathy 1S (CMD1S). Identifiers: Orphanet 154, Orphanet 54260, MedGen C1834481, MONDO:0013262, OMIM 613426.
Myosin storage myopathy (CMYO7A). Also called: MYOPATHY, HYALINE BODY, AUTOSOMAL DOMINANT; SCAPULOPERONEAL MUSCULAR DYSTROPHY; SCAPULOPERONEAL SYNDROME, MYOPATHIC TYPE; MYH7-related late-onset scapuloperoneal muscular dystrophy; MYOPATHY WITH LYSIS OF TYPE I MYOFIBRILS; Scapuloperoneal myopathy, MYH7-related. Identifiers: Orphanet 437572, Orphanet 636965, MedGen C1842160, MONDO:0008409, OMIM 608358.
Myopathy, myosin storage, autosomal recessive (CMYO7B). Also called: CONGENITAL MYOPATHY 7B, MYOSIN STORAGE, AUTOSOMAL RECESSIVE. Identifiers: Orphanet 636970, MedGen C1850709, MONDO:0009708, OMIM 255160.
Hypertrophic cardiomyopathy 1 (CMH1). Also called: MYH7-Related Familial Hypertrophic Cardiomyopathy; Familial hypertrophic cardiomyopathy 1. Identifiers: MedGen C3495498, MONDO:0008647, OMIM 192600.
Cardiomyopathy (CMYO). Also called: Cardiomyopathies. Identifiers: Orphanet 167848, MedGen C0878544, MONDO:0004994, HP:0001638. Inheritance: Various modes of inheritance.
Hypertrophic cardiomyopathy. Also called: HYPERTROPHIC MYOCARDIOPATHY. Identifiers: Orphanet 217569, MedGen C0007194, MeSH D002312, MONDO:0005045, HP:0001639.

Allele frequency attached by ClinVar (database versions not stated): gnomAD exomes below 0.00001; TOPMed below 0.00001.

Submissions (6):

Color Diagnostics, LLC DBA Color Health
Classification: Uncertain significance for Cardiomyopathy. Last evaluated: 2024-09-09. Review status: criteria provided, single submitter. Criteria: ACMG Guidelines, 2015. Collection method: clinical testing. Allele origin: germline.
Comment: This variant changes 1 nucleotide in exon 9 of the MYH7 gene, creating a premature translation stop signal. This variant is expected to result in an absent or non-functional protein product. This variant has been reported in an individual affected with left ventricular non-compaction (PMID: 28798025). This variant has been identified in 1/251458 chromosomes in the general population by the Genome Aggregation Database (gnomAD). Clinical relevance of loss-of-function MYH7 truncation variants in autosomal dominant cardiovascular disorders is not clearly established. The available evidence is insufficient to determine the role of this variant in disease conclusively. Therefore, this variant is classified as a Variant of Uncertain Significance.

All of Us Research Program, National Institutes of Health
Classification: Uncertain significance for Cardiomyopathy. Last evaluated: 2024-06-09. Review status: criteria provided, single submitter. Criteria: ACMG Guidelines, 2015. Collection method: clinical testing. Allele origin: germline. Inheritance: Autosomal dominant inheritance. Observed: 2 variant alleles, 2 heterozygotes.
Comment: This variant changes 1 nucleotide in exon 9 of the MYH7 gene, creating a premature translation stop signal. This variant is expected to result in an absent or non-functional protein product. This variant has been reported in an individual affected with left ventricular non-compaction (PMID: 28798025). This variant has been identified in 1/251458 chromosomes in the general population by the Genome Aggregation Database (gnomAD). Clinical relevance of loss-of-function MYH7 truncation variants in autosomal dominant cardiovascular disorders is not clearly established. The available evidence is insufficient to determine the role of this variant in disease conclusively. Therefore, this variant is classified as a Variant of Uncertain Significance.

This study involves interpretation of variants in research participants for the purpose of population health screening. Participant phenotype was not available at the time of variant classification. Additional details can be found in publication PMID: 35346344, PMCID: PMC8962531

Blueprint Genetics
Classification: Uncertain significance. Last evaluated: 2023-09-27. Review status: criteria provided, single submitter. Criteria: ACMG Guidelines, 2015. Collection method: clinical testing. Allele origin: germline.

Fulgent Genetics
Classification: Uncertain significance for MYH7-related skeletal myopathy; Myosin storage myopathy; Hypertrophic cardiomyopathy 1; Myopathy, myosin storage, autosomal recessive; Congenital myopathy 4A, autosomal dominant; Dilated cardiomyopathy 1S. Last evaluated: 2021-11-05. Review status: criteria provided, single submitter. Criteria: ACMG Guidelines, 2015. Collection method: clinical testing. Allele origin: unknown.

Labcorp Genetics (formerly Invitae), Labcorp
Classification: Uncertain significance for Hypertrophic cardiomyopathy. Last evaluated: 2021-08-27. Review status: criteria provided, single submitter. Criteria: Invitae Variant Classification Sherloc (09022015). Collection method: clinical testing. Allele origin: germline.
Comment: This sequence change creates a premature translational stop signal (p.Arg249*) in the MYH7 gene. It is expected to result in an absent or disrupted protein product. However, the current clinical and genetic evidence is not sufficient to establish whether loss-of-function variants in MYH7 cause disease. This variant is not present in population databases (ExAC no frequency). This variant has not been reported in the literature in individuals affected with MYH7-related conditions. In summary, the available evidence is currently insufficient to determine the role of this variant in disease. Therefore, it has been classified as a Variant of Uncertain Significance.

Laboratory for Molecular Medicine, Mass General Brigham Personalized Medicine
Classification: Likely pathogenic for Cardiomyopathy. Last evaluated: 2019-02-08. Review status: criteria provided, single submitter. Criteria: ACMG Guidelines, 2015. Collection method: clinical testing. Allele origin: germline. Inheritance: Autosomal recessive inheritance.
Comment: The p.Arg249X variant in MYH7 has been reported in one individual with left ventricular non-compaction (Miszalski-Jamka 2017). It has also been identified in 1/113734 European chromosomes by gnomAD and has been reported in ClinVar (Variation ID 407183). This nonsense variant leads to a premature termination codon at position 249, which is predicted to lead to a truncated or absent protein. Although heterozygous loss-of-function (LOF) variants in MYH7 are not believed to be pathogenic for autosomal dominant forms of cardiomyopathy, there is evidence that can they lead to severe and early onset disease when present in trans with a second MYH7 variant (LMM data). In summary, although additional studies are required to fully establish its clinical significance, the p.Arg249X variant is likely pathogenic for cardiomyopathy in an autosomal recessive manner. ACMG/AMP Criteria applied: PVS1, PM2.

Literature cited by the submitters: PubMed 28798025 (cited by 3 submitters).

NM_000257.4(MYH7):c.745C>T (p.Arg249Ter)

Gene: MYH7 (myosin heavy chain 7; minus strand). Cytogenetic location: 14q11.2.
Variant type: single nucleotide variant.
Coding change: c.745C>T on transcript NM_000257.4 (MANE Select); coding-DNA position 745, C replaced by T.
Protein change: p.Arg249Ter; replaces arginine 249 with a stop codon.
Molecular consequence: nonsense.
Genome position (GRCh38, 1-based): chr14:23,431,469, G>A on the plus strand (C>T on the coding strand, the complement: MYH7 is on the minus strand). VCF-style: chr14-23431469-G-A. GRCh37 (hg19) VCF-style: chr14-23900678-G-A.
Other names: short protein forms R249*.
Identifiers: ClinVar variation 407183 (VCV000407183.13), dbSNP rs730880852, ClinGen allele CA16614500.